The following is an entry in ClinVar:

NM_005918.4(MDH2):c.769C>T (p.Arg257Cys)

Gene: MDH2 (malate dehydrogenase 2; plus strand). Cytogenetic location: 7q11.23.
Variant type: single nucleotide variant.
Coding change: c.769C>T on transcript NM_005918.4 (MANE Select); coding-DNA position 769, C replaced by T.
Protein change: p.Arg257Cys; replaces arginine 257 with cysteine.
Molecular consequence: missense variant.
Genome position (GRCh38, 1-based): chr7:76,064,837, C>T. VCF-style: chr7-76064837-C-T. GRCh37 (hg19) VCF-style: chr7-75694155-C-T.
Other names: c.643C>T, p.Arg215Cys (NM_001282403.2); c.448C>T, p.Arg150Cys (NM_001282404.2); short protein forms R150C, R257C, R215C.
Identifiers: ClinVar variation 1760179 (VCV001760179.2), dbSNP rs576301026, ClinGen allele CA4305707.

ClinVar aggregate classification (germline): Uncertain significance (1 of 4 stars; one submission).

Conditions:
Inborn genetic diseases. Identifiers: MedGen C0950123, MeSH D030342.

Allele frequency attached by ClinVar (database versions not stated): gnomAD exomes below 0.00001; ExAC 0.00002.

Submission:

Ambry Genetics
Classification: Uncertain significance for Inborn genetic diseases. Last evaluated: 2024-01-28. Review status: criteria provided, single submitter. Criteria: Ambry Variant Classification Scheme 2023. Collection method: clinical testing. Allele origin: germline.
Comment: The p.R257C variant (also known as c.769C>T), located in coding exon 8 of the MDH2 gene, results from a C to T substitution at nucleotide position 769. The arginine at codon 257 is replaced by cysteine, an amino acid with highly dissimilar properties. This amino acid position is conserved. In addition, this alteration is predicted to be deleterious by in silico analysis. Since supporting evidence is limited at this time, the clinical significance of this alteration remains unclear.